The following is an entry in ClinVar:

NM_001873.4(CPE):c.1338T>C (p.Asp446=)

Gene: CPE (carboxypeptidase E; plus strand). Cytogenetic location: 4q32.3.
Variant type: single nucleotide variant.
Coding change: c.1338T>C on transcript NM_001873.4 (MANE Select); coding-DNA position 1338, T replaced by C.
Protein change: p.Asp446=; no amino-acid change (aspartic acid 446 retained).
Molecular consequence: synonymous variant.
Genome position (GRCh38, 1-based): chr4:165,497,517, T>C. VCF-style: chr4-165497517-T-C. GRCh37 (hg19) VCF-style: chr4-166418669-T-C.
Identifiers: ClinVar variation 4994407 (VCV004994407.1).

ClinVar aggregate classification (germline): Likely benign (1 of 4 stars; one submission).

Conditions:
CPE-related disorder. Also called: CPE-related condition.

Submission:

PreventionGenetics, part of Exact Sciences
Classification: Likely benign for CPE-related condition. Last evaluated: 2026-01-28. Review status: criteria provided, single submitter. Criteria: ACMG Guidelines, 2015. Collection method: clinical testing. Allele origin: germline.
Comment: This variant is classified as likely benign based on ACMG/AMP sequence variant interpretation guidelines (Richards et al. 2015 PMID: 25741868, with internal and published modifications).